The following is an entry in ClinVar:

ClinVar aggregate classification (germline): Uncertain significance (1 of 4 stars; one submission).

Conditions:
Fanconi anemia (FA). Also called: Fanconi's anemia. Identifiers: Orphanet 84, MedGen C0015625, MeSH D005199, MONDO:0019391.

Submission:

Labcorp Genetics (formerly Invitae), Labcorp
Classification: Uncertain significance for Fanconi anemia. Last evaluated: 2025-12-14. Review status: criteria provided, single submitter. Criteria: Invitae Variant Classification Sherloc (09022015). Collection method: clinical testing. Allele origin: germline.
Comment: This sequence change replaces valine, which is neutral and non-polar, with leucine, which is neutral and non-polar, at codon 1149 of the FANCI protein (p.Val1149Leu). This variant is not present in population databases (gnomAD no frequency). This variant has not been reported in the literature in individuals affected with FANCI-related conditions. Invitae Evidence Modeling of protein sequence and biophysical properties (such as structural, functional, and spatial information, amino acid conservation, physicochemical variation, residue mobility, and thermodynamic stability) indicates that this missense variant is not expected to disrupt FANCI protein function with a negative predictive value of 80%. In summary, the available evidence is currently insufficient to determine the role of this variant in disease. Therefore, it has been classified as a Variant of Uncertain Significance.

NM_001113378.2(FANCI):c.3445G>T (p.Val1149Leu)

Gene: FANCI (FA complementation group I; plus strand). Cytogenetic location: 15q26.1.
Variant type: single nucleotide variant.
Coding change: c.3445G>T on transcript NM_001113378.2 (MANE Select); coding-DNA position 3445, G replaced by T.
Protein change: p.Val1149Leu; replaces valine 1149 with leucine.
Molecular consequence: missense variant.
Genome position (GRCh38, 1-based): chr15:89,306,102, G>T. VCF-style: chr15-89306102-G-T. GRCh37 (hg19) VCF-style: chr15-89849333-G-T.
Other names: c.3166G>T, p.Val1056Leu (NM_001376910.1); c.3445G>T, p.Val1149Leu (NM_001376911.1); c.3265G>T, p.Val1089Leu (NM_018193.3); short protein forms V1056L, V1089L, V1149L.
Identifiers: ClinVar variation 4797668 (VCV004797668.1).